The following is an entry in ClinVar:

ClinVar aggregate classification (germline): Uncertain significance (1 of 4 stars; one submission).

Conditions:
Hereditary cancer-predisposing syndrome. Also called: Tumor predisposition; Hereditary Cancer Syndrome; Neoplastic Syndromes, Hereditary; Hereditary neoplastic syndrome. Identifiers: Orphanet 140162, MedGen C0027672, MeSH D009386, MONDO:0015356.

Submission:

Color Diagnostics, LLC DBA Color Health
Classification: Uncertain significance for Hereditary cancer-predisposing syndrome. Last evaluated: 2025-06-09. Review status: criteria provided, single submitter. Criteria: ACMG Guidelines, 2015. Collection method: clinical testing. Allele origin: germline.
Comment: This missense variant replaces lysine with arginine at codon 814 of the PMS2 protein. Computational prediction suggests that this variant may not impact protein structure and function. To our knowledge, functional studies have not been reported for this variant. This variant has not been reported in individuals affected with PMS2-related disorders in the literature. This variant has not been identified in the general population by the Genome Aggregation Database (gnomAD). The available evidence is insufficient to determine the role of this variant in disease conclusively. Therefore, this variant is classified as a Variant of Uncertain Significance.

NM_000535.7(PMS2):c.2441A>G (p.Lys814Arg)

Gene: PMS2 (PMS1 homolog 2, mismatch repair system component; minus strand). Cytogenetic location: 7p22.1.
Variant type: single nucleotide variant.
Coding change: c.2441A>G on transcript NM_000535.7 (MANE Select); coding-DNA position 2441, A replaced by G.
Protein change: p.Lys814Arg; replaces lysine 814 with arginine.
Molecular consequence: missense variant. On other transcripts: non-coding transcript variant (1).
Genome position (GRCh38, 1-based): chr7:5,977,592, T>C on the plus strand (A>G on the coding strand, the complement: PMS2 is on the minus strand). VCF-style: chr7-5977592-T-C. GRCh37 (hg19) VCF-style: chr7-6017223-T-C.
Other names: c.2036A>G, p.Lys679Arg (NM_001322003.2, NM_001322004.2, NM_001322005.2 and 11 more transcripts); c.2285A>G, p.Lys762Arg (NM_001322006.2); c.2123A>G, p.Lys708Arg (NM_001322007.2, NM_001322008.2, NM_001406883.1); c.2069A>G, p.Lys690Arg (NM_001322009.2, NM_001406887.1, NM_001406888.1); c.1880A>G, p.Lys627Arg (NM_001322010.2, NM_001406906.1, NM_001406907.1); c.1508A>G, p.Lys503Arg (NM_001322011.2, NM_001322012.2); c.1868A>G, p.Lys623Arg (NM_001322013.2, NM_001406908.1, NM_001406909.1); c.2474A>G, p.Lys825Arg (NM_001322014.2); and 20 more; short protein forms K413R, K503R, K557R, K575R, K623R, K627R, K643R, K652R.
Identifiers: ClinVar variation 4757022 (VCV004757022.1).